The following is an entry in ClinVar:

ClinVar aggregate classification (germline): Likely pathogenic (1 of 4 stars; one submission).

Conditions:
Glycine encephalopathy. Also called: Nonketotic hyperglycinemia; Non-ketotic hyperglycinemia. Identifiers: Orphanet 407, MedGen C0751748, MONDO:0011612, HP:0008288.

Submission:

Labcorp Genetics (formerly Invitae), Labcorp
Classification: Likely pathogenic for Glycine encephalopathy. Last evaluated: 2022-10-03. Review status: criteria provided, single submitter. Criteria: Invitae Variant Classification Sherloc (09022015). Collection method: clinical testing. Allele origin: germline.
Comment: In summary, the currently available evidence indicates that the variant is pathogenic, but additional data are needed to prove that conclusively. Therefore, this variant has been classified as Likely Pathogenic. Algorithms developed to predict the effect of sequence changes on RNA splicing suggest that this variant may disrupt the consensus splice site. This variant has not been reported in the literature in individuals affected with GLDC-related conditions. This variant is not present in population databases (gnomAD no frequency). This sequence change affects a splice site in intron 13 of the GLDC gene. It is expected to disrupt RNA splicing. Variants that disrupt the donor or acceptor splice site typically lead to a loss of protein function (PMID: 16199547), and loss-of-function variants in GLDC are known to be pathogenic (PMID: 16601880).

Literature cited by the submitters: PubMed 16199547; PubMed 16601880.

NM_000170.3(GLDC):c.1665+2del

Gene: GLDC (glycine decarboxylase; minus strand). Cytogenetic location: 9p24.1.
Variant type: Deletion.
Coding change: c.1665+2del on transcript NM_000170.3 (MANE Select); the canonical splice donor site of the intron after coding-DNA position 1665, one base deleted (T; older notation c.1665+2delT).
Molecular consequence: splice donor variant.
Genome position (GRCh38, 1-based): chr9:6,588,616, A deleted on the plus strand (T on the coding strand, the reverse complement: GLDC is on the minus strand). VCF-style (leftmost placement, unchanged base first): chr9-6588615-TA-T. GRCh37 (hg19) VCF-style: chr9-6588615-TA-T.
Identifiers: ClinVar variation 2033817 (VCV002033817.4), dbSNP rs2489078910, ClinGen allele CA2580080234.
Genomic context (GRCh38, chr9:6,588,615, plus strand): 5'-TAGGACCAAGAGACGTGGGATTGGGGTAGCTTGGAAATGAGAAAAAAGGCCACAAATAAC[TA>T]CCAGTGGAATCATGCTGTGAACAAGGGAAATGTCTTTATTTTCCAGTTTCTTCATGTACC-3'